The following is an entry in ClinVar:

NM_001079843.3(CASZ1):c.65C>T (p.Ala22Val)

Gene: CASZ1 (castor zinc finger 1; minus strand). Cytogenetic location: 1p36.22.
Variant type: single nucleotide variant.
Coding change: c.65C>T on transcript NM_001079843.3 (MANE Select); coding-DNA position 65, C replaced by T.
Protein change: p.Ala22Val; replaces alanine 22 with valine.
Molecular consequence: missense variant.
Genome position (GRCh38, 1-based): chr1:10,665,523, G>A on the plus strand (C>T on the coding strand, the complement: CASZ1 is on the minus strand). VCF-style: chr1-10665523-G-A. GRCh37 (hg19) VCF-style: chr1-10725580-G-A.
Other names: c.65C>T, p.Ala22Val (NM_017766.5); short protein forms A22V.
Identifiers: ClinVar variation 4219551 (VCV004219551.6).

ClinVar aggregate classification (germline): Uncertain significance. Review status: criteria provided, multiple submitters, no conflicts (2 of 4 stars). 3 submissions from 3 submitters: Uncertain significance (3). Last evaluated 2026-02-01.

gnomAD v4.1: 34 of 1,596,090 alleles (0.0021%); highest among the groups gnomAD compares: South Asian, 0.024%; no homozygotes.

Submissions (3):

CeGaT Center for Human Genetics Tuebingen
Classification: Uncertain significance. Last evaluated: 2026-02-01. Review status: criteria provided, single submitter. Criteria: CeGaT Center For Human Genetics Tuebingen Variant Classification Criteria Version 2. Collection method: clinical testing. Allele origin: germline. Affected: yes. Observed: 1 variant allele.

Labcorp Genetics (formerly Invitae), Labcorp
Classification: Uncertain significance. Last evaluated: 2025-12-30. Review status: criteria provided, single submitter. Criteria: Invitae Variant Classification Sherloc (09022015). Collection method: clinical testing. Allele origin: germline.
Comment: This sequence change replaces alanine, which is neutral and non-polar, with valine, which is neutral and non-polar, at codon 22 of the CASZ1 protein (p.Ala22Val). This variant is present in population databases (rs760076051, gnomAD 0.02%). This variant has not been reported in the literature in individuals affected with CASZ1-related conditions. ClinVar contains an entry for this variant (Variation ID: 4219551). An algorithm developed to predict the effect of missense changes on protein structure and function (PolyPhen-2) suggests that this variant is likely to be disruptive. In summary, the available evidence is currently insufficient to determine the role of this variant in disease. Therefore, it has been classified as a Variant of Uncertain Significance.

Ambry Genetics
Classification: Uncertain significance. Last evaluated: 2025-09-05. Review status: criteria provided, single submitter. Criteria: Ambry Variant Classification Scheme 2023. Collection method: clinical testing. Allele origin: germline.